The following is an entry in ClinVar:

NM_004360.5(CDH1):c.532-7T>C

Gene: CDH1 (cadherin 1; plus strand). Cytogenetic location: 16q22.1.
Variant type: single nucleotide variant.
Coding change: c.532-7T>C on transcript NM_004360.5 (MANE Select); 7 bases into the intron before coding-DNA position 532, T replaced by C.
Molecular consequence: intron variant.
Genome position (GRCh38, 1-based): chr16:68,808,686, T>C. VCF-style: chr16-68808686-T-C. GRCh37 (hg19) VCF-style: chr16-68842589-T-C.
Other names: c.532-7T>C (LRG_301t1, NM_001317184.2); c.-1084-7T>C (NM_001317185.2); c.-1288-7T>C (NM_001317186.2).
Identifiers: ClinVar variation 491550 (VCV000491550.16), dbSNP rs1432324307, ClinGen allele CA658683947.

ClinVar aggregate classification (germline): Likely benign. Review status: criteria provided, multiple submitters, no conflicts (2 of 4 stars). 6 submissions from 6 submitters: Likely benign (6). Last evaluated 2025-10-24.

Conditions:
Hereditary cancer-predisposing syndrome. Also called: Tumor predisposition; Neoplastic Syndromes, Hereditary; Hereditary Cancer Syndrome; Hereditary neoplastic syndrome. Identifiers: Orphanet 140162, MedGen C0027672, MeSH D009386, MONDO:0015356.
Hereditary diffuse gastric adenocarcinoma (HDGC). Also called: DIFFUSE GASTRIC AND LOBULAR BREAST CANCER SYNDROME. Identifiers: Orphanet 26106, MedGen C1708349, MONDO:0007648, OMIM 137215.

Allele frequency attached by ClinVar (database versions not stated): gnomAD 0.00001; gnomAD exomes 0.00001; TOPMed 0.00001.
gnomAD v4.1: 8 of 1,614,070 alleles (0.0005%); highest among the groups gnomAD compares: Admixed American, 0.0017%; no homozygotes.

Submissions (6):

Labcorp Genetics (formerly Invitae), Labcorp
Classification: Likely benign for Hereditary diffuse gastric adenocarcinoma. Last evaluated: 2025-10-24. Review status: criteria provided, single submitter. Criteria: Invitae Variant Classification Sherloc (09022015). Collection method: clinical testing. Allele origin: germline.

Myriad Genetics, Inc.
Classification: Likely benign for Hereditary diffuse gastric adenocarcinoma. Last evaluated: 2024-09-13. Review status: criteria provided, single submitter. Criteria: Myriad Autosomal Dominant, Autosomal Recessive and X-Linked Classification Criteria (2023). Collection method: clinical testing. Allele origin: unknown.
Comment: This variant is considered likely benign. This variant is intronic and is not expected to impact mRNA splicing.

Department of Pathology and Laboratory Medicine, Sinai Health System
Classification: Likely benign for Hereditary diffuse gastric adenocarcinoma. Last evaluated: 2024-06-17. Review status: criteria provided, single submitter. Criteria: ACMG Guidelines, 2015. Collection method: clinical testing. Allele origin: germline. Affected: yes.

Quest Diagnostics Nichols Institute San Juan Capistrano
Classification: Likely benign. Last evaluated: 2023-01-18. Review status: criteria provided, single submitter. Criteria: Quest Diagnostics criteria. Collection method: clinical testing. Allele origin: unknown.

GeneDx
Classification: Likely benign. Last evaluated: 2019-05-23. Review status: criteria provided, single submitter. Criteria: GeneDx Variant Classification Process June 2021. Collection method: clinical testing. Allele origin: germline. Affected: yes.

Color Diagnostics, LLC DBA Color Health
Classification: Likely benign for Hereditary cancer-predisposing syndrome. Last evaluated: 2016-10-17. Review status: criteria provided, single submitter. Criteria: ACMG Guidelines, 2015. Collection method: clinical testing. Allele origin: germline.